The following is an entry in ClinVar:

ClinVar aggregate classification (germline): Uncertain significance (1 of 4 stars; one submission).

Conditions:
Catecholaminergic polymorphic ventricular tachycardia (CVPT). Also called: Catecholamine-induced polymorphic ventricular tachycardia. Identifiers: Orphanet 3286, MedGen C5574922, MONDO:0017990.

Submission:

All of Us Research Program, National Institutes of Health
Classification: Uncertain significance for Catecholaminergic polymorphic ventricular tachycardia. Last evaluated: 2024-05-14. Review status: criteria provided, single submitter. Criteria: ACMG Guidelines, 2015. Collection method: clinical testing. Allele origin: germline. Inheritance: Autosomal dominant inheritance. Observed: 1 variant allele, 1 heterozygote.
Comment: This missense variant replaces arginine with lysine at codon 290 of the RYR2 protein. Computational prediction suggests that this variant may not impact protein structure and function (internally defined REVEL score threshold <= 0.5, PMID: 27666373). To our knowledge, functional studies have not been reported for this variant. This variant has not been reported in individuals affected with RYR2-related disorders in the literature. This variant has not been identified in the general population by the Genome Aggregation Database (gnomAD). The available evidence is insufficient to determine the role of this variant in disease conclusively. Therefore, this variant is classified as a Variant of Uncertain Significance.

This study involves interpretation of variants in research participants for the purpose of population health screening. Participant phenotype was not available at the time of variant classification. Additional details can be found in publication PMID: 35346344, PMCID: PMC8962531

NM_001035.3(RYR2):c.869G>A (p.Arg290Lys)

Gene: RYR2 (ryanodine receptor 2; plus strand). Cytogenetic location: 1q43.
Variant type: single nucleotide variant.
Coding change: c.869G>A on transcript NM_001035.3 (MANE Select); coding-DNA position 869, G replaced by A.
Protein change: p.Arg290Lys; replaces arginine 290 with lysine.
Molecular consequence: missense variant.
Genome position (GRCh38, 1-based): chr1:237,423,112, G>A. VCF-style: chr1-237423112-G-A. GRCh37 (hg19) VCF-style: chr1-237586412-G-A.
Other names: short protein forms R290K.
Identifiers: ClinVar variation 3385658 (VCV003385658.1).